The following is an entry in ClinVar:

ClinVar aggregate classification (germline): Uncertain significance. Review status: criteria provided, multiple submitters, no conflicts (2 of 4 stars). 2 submissions from 2 submitters: Uncertain significance (2). Last evaluated 2025-06-09.

Conditions:
Familial hemophagocytic lymphohistiocytosis 5. Also called: STXBP2-Related Familial Hemophagocytic Lymphohistiocytosis (STXBP2-fHLH). Identifiers: Orphanet 540, MedGen C2751293, MONDO:0013135, OMIM 613101.

Allele frequency attached by ClinVar (database versions not stated): gnomAD 0.00001; gnomAD exomes 0.00001; TOPMed 0.00001; ExAC 0.00005.
gnomAD v4.1: 13 of 1,553,166 alleles (0.00084%); highest among the groups gnomAD compares: Middle Eastern, 0.02%; no homozygotes.

Submissions (2):

Labcorp Genetics (formerly Invitae), Labcorp
Classification: Uncertain significance for Familial hemophagocytic lymphohistiocytosis 5. Last evaluated: 2025-06-09. Review status: criteria provided, single submitter. Criteria: Invitae Variant Classification Sherloc (09022015). Collection method: clinical testing. Allele origin: germline.
Comment: This sequence change replaces tyrosine, which is neutral and polar, with serine, which is neutral and polar, at codon 157 of the STXBP2 protein (p.Tyr157Ser). This variant is present in population databases (rs779731433, gnomAD 0.003%). This variant has not been reported in the literature in individuals affected with STXBP2-related conditions. ClinVar contains an entry for this variant (Variation ID: 1465929). Invitae Evidence Modeling of protein sequence and biophysical properties (such as structural, functional, and spatial information, amino acid conservation, physicochemical variation, residue mobility, and thermodynamic stability) indicates that this missense variant is not expected to disrupt STXBP2 protein function with a negative predictive value of 95%. In summary, the available evidence is currently insufficient to determine the role of this variant in disease. Therefore, it has been classified as a Variant of Uncertain Significance.

Blueprint Genetics
Classification: Uncertain significance. Last evaluated: 2020-10-07. Review status: criteria provided, single submitter. Criteria: ACMG Guidelines, 2015. Collection method: clinical testing. Allele origin: germline.

NM_006949.4(STXBP2):c.470A>C (p.Tyr157Ser)

Gene: STXBP2 (syntaxin binding protein 2; plus strand). Cytogenetic location: 19p13.2.
Variant type: single nucleotide variant.
Coding change: c.470A>C on transcript NM_006949.4 (MANE Select); coding-DNA position 470, A replaced by C.
Protein change: p.Tyr157Ser; replaces tyrosine 157 with serine.
Molecular consequence: missense variant. On other transcripts: non-coding transcript variant (1).
Genome position (GRCh38, 1-based): chr19:7,641,745, A>C. VCF-style: chr19-7641745-A-C. GRCh37 (hg19) VCF-style: chr19-7706631-A-C.
Other names: c.461A>C, p.Tyr154Ser (NM_001127396.3); c.503A>C, p.Tyr168Ser (NM_001272034.2); short protein forms Y154S, Y157S, Y168S.
Identifiers: ClinVar variation 1465929 (VCV001465929.5), dbSNP rs779731433, ClinGen allele CA9143666.
Genomic context (GRCh38, chr19:7,641,745, plus strand): 5'-TCTGTCCCCTCCTCGCCCAGGTGTTCTCCCTCGATGCTCCCCACAGCACCTACAACCTCT[A>C]CTGCCCCTTCCGGGCAGAGGAGCGCACGCGGCAGCTCGAGGTGCTGGCCCAGCAGATTGC-3'
Protein context (NP_008880.2, residues 147-167): LDAPHSTYNL[Tyr157Ser]CPFRAEERTR